The following is an entry in ClinVar:

NM_000158.4(GBE1):c.1204A>G (p.Thr402Ala)

Gene: GBE1 (1,4-alpha-glucan branching enzyme 1; minus strand). Cytogenetic location: 3p12.2.
Variant type: single nucleotide variant.
Coding change: c.1204A>G on transcript NM_000158.4 (MANE Select); coding-DNA position 1204, A replaced by G.
Protein change: p.Thr402Ala; replaces threonine 402 with alanine.
Molecular consequence: missense variant.
Genome position (GRCh38, 1-based): chr3:81,591,069, T>C on the plus strand (A>G on the coding strand, the complement: GBE1 is on the minus strand). VCF-style: chr3-81591069-T-C. GRCh37 (hg19) VCF-style: chr3-81640220-T-C.
Other names: p.Thr402Ala; c.1204A>G (NM_000158.3); short protein forms T402A.
Identifiers: ClinVar variation 989808 (VCV000989808.11), dbSNP rs757297254, ClinGen allele CA2499766.
Genomic context (GRCh38, chr3:81,591,069, plus strand): 5'-AGAAGGTAAGACTTCACTATGGCTTTACCTCAGCTATTGTTATAGAATCGGGACACAGCG[T>C]GTGAACCAAATGATTTGCCAACATGAGGTAAGTCAAGGCATCTTCATCTACTTGTAGTCC-3'
Protein context (NP_000149.4, residues 392-412): YLMLANHLVH[Thr402Ala]LCPDSITIAE

ClinVar aggregate classification (germline): Conflicting classifications of pathogenicity. Review status: criteria provided, conflicting classifications (1 of 4 stars). 4 submissions from 4 submitters: Uncertain significance (2); Likely benign (1). 1 of the submissions does not count toward it. Last evaluated 2026-02-01.

Conditions:
Glycogen storage disease, type IV (GSD4). Also called: Glycogen storage disease due to glycogen branching enzyme deficiency; AMYLOPECTINOSIS; ANDERSEN DISEASE; BRANCHER DEFICIENCY; CIRRHOSIS, FAMILIAL, WITH DEPOSITION OF ABNORMAL GLYCOGEN; GBE1 DEFICIENCY. Identifiers: Orphanet 367, MedGen C0017923, MONDO:0009292, OMIM 232500.
Inborn genetic diseases. Identifiers: MedGen C0950123, MeSH D030342.
Glycogen storage disease IV, classic hepatic. Also called: GSD IV, CLASSIC HEPATIC. Identifiers: MedGen C1856301.

Allele frequency attached by ClinVar (database versions not stated): gnomAD 0.00002 and 0.00003; TOPMed 0.00005; gnomAD exomes 0.00007; ExAC 0.00009.
gnomAD v4.1: 22 of 1,610,424 alleles (0.0014%); highest among the groups gnomAD compares: Admixed American, 0.034%; no homozygotes.

Submissions (4):

Labcorp Genetics (formerly Invitae), Labcorp
Classification: Likely benign for Glycogen storage disease, type IV; Glycogen storage disease IV, classic hepatic. Last evaluated: 2026-02-01. Review status: criteria provided, single submitter. Criteria: Invitae Variant Classification Sherloc (09022015). Collection method: clinical testing. Allele origin: germline.

Mayo Clinic Laboratories, Mayo Clinic
Classification: Uncertain significance. Last evaluated: 2025-08-07. Review status: criteria provided, single submitter. Criteria: ACMG Guidelines, 2015. Collection method: clinical testing. Allele origin: germline. Observed: 1 variant allele.
Comment: BP4_moderate

Ambry Genetics
Classification: Uncertain significance for Inborn genetic diseases. Last evaluated: 2022-08-01. Review status: criteria provided, single submitter. Criteria: Ambry Variant Classification Scheme 2023. Collection method: clinical testing. Allele origin: germline.

Natera, Inc.
Classification: Uncertain significance for Glycogen storage disease type IV. Last evaluated: 2020-08-14. Review status: no assertion criteria provided. Collection method: clinical testing. Allele origin: germline. Not counted in ClinVar's aggregate classification.